The following is an entry in ClinVar:

NM_001368882.1(COL13A1):c.1561C>T (p.Pro521Ser)

Gene: COL13A1 (collagen type XIII alpha 1 chain; plus strand). Cytogenetic location: 10q22.1.
Variant type: single nucleotide variant.
Coding change: c.1561C>T on transcript NM_001368882.1 (MANE Select); coding-DNA position 1561, C replaced by T.
Protein change: p.Pro521Ser; replaces proline 521 with serine.
Molecular consequence: missense variant.
Genome position (GRCh38, 1-based): chr10:69,930,430, C>T. VCF-style: chr10-69930430-C-T. GRCh37 (hg19) VCF-style: chr10-71690186-C-T.
Other names: c.1528C>T, p.Pro510Ser (NM_001130103.2); c.1498C>T, p.Pro500Ser (NM_001320951.2, NM_001368884.1); c.1525C>T, p.Pro509Ser (NM_001368883.1); c.1462C>T, p.Pro488Ser (NM_001368885.1, NM_080801.4, NM_080802.4); c.898C>T, p.Pro300Ser (NM_001368886.1); c.1471C>T, p.Pro491Ser (NM_001368895.1, NM_080800.4); c.1357C>T, p.Pro453Ser (NM_001368896.1, NM_001368898.1, NM_080798.4); c.1384C>T, p.Pro462Ser (NM_001368897.1); and 1 more; short protein forms P459S, P521S, P300S, P488S, P491S, P500S, P453S, P509S.
Identifiers: ClinVar variation 2871365 (VCV002871365.3), dbSNP rs2545483595, ClinGen allele CA376931196.

ClinVar aggregate classification (germline): Uncertain significance (1 of 4 stars; one submission).

Allele frequency attached by ClinVar (database versions not stated): gnomAD exomes below 0.00001.
gnomAD v4.1: 2 of 1,612,364 alleles (0.00012%); no homozygotes.

Submission:

Labcorp Genetics (formerly Invitae), Labcorp
Classification: Uncertain significance. Last evaluated: 2023-03-18. Review status: criteria provided, single submitter. Criteria: Invitae Variant Classification Sherloc (09022015). Collection method: clinical testing. Allele origin: germline.
Comment: This sequence change replaces proline, which is neutral and non-polar, with serine, which is neutral and polar, at codon 510 of the COL13A1 protein (p.Pro510Ser). This variant is not present in population databases (gnomAD no frequency). This variant has not been reported in the literature in individuals affected with COL13A1-related conditions. An algorithm developed to predict the effect of missense changes on protein structure and function (PolyPhen-2) suggests that this variant is likely to be disruptive. In summary, the available evidence is currently insufficient to determine the role of this variant in disease. Therefore, it has been classified as a Variant of Uncertain Significance.